The following is an entry in ClinVar:

ClinVar aggregate classification (germline): Likely pathogenic (1 of 4 stars; one submission).

Conditions:
Autosomal recessive nonsyndromic hearing loss 37. Identifiers: Orphanet 90636, MedGen C1843028, MONDO:0011912, OMIM 607821.
Autosomal dominant nonsyndromic hearing loss 22. Also called: Autosomal dominant nonsyndromic deafness 22; DFNA 22. Identifiers: Orphanet 228012, MedGen C2931767, MONDO:0011660, OMIM 606346.

Submission:

Juno Genomics, Hangzhou Juno Genomics, Inc
Classification: Likely pathogenic for Autosomal dominant nonsyndromic hearing loss 22; Autosomal recessive nonsyndromic hearing loss 37. Review status: criteria provided, single submitter. Criteria: ACMG Guidelines, 2015. Collection method: clinical testing. Allele origin: germline. Affected: yes.
Comment: Absent from controls (or at extremely low frequency if recessive) in Genome Aggregation Database, Exome Sequencing Project, 1000 Genomes Project, or Exome Aggregation Consortium.;Null variant in a gene where loss of function (LOF) is a known mechanism of disease.

NM_004999.4(MYO6):c.3216_3219dup (p.Lys1074Ter)

Gene: MYO6 (myosin VI; plus strand). Cytogenetic location: 6q14.1.
Variant type: Duplication.
Coding change: c.3216_3219dup on transcript NM_004999.4 (MANE Select); coding-DNA positions 3216 to 3219, 4 bases duplicated (TAAG; older notation c.3216_3219dupTAAG).
Protein change: p.Lys1074Ter; replaces lysine 1074 with a stop codon.
Molecular consequence: nonsense. On other transcripts: non-coding transcript variant (1).
Genome position (GRCh38, 1-based): chr6:75,907,644-75,907,647, TAAG duplicated. VCF-style (leftmost placement, unchanged base first): chr6-75907643-C-CTAAG. GRCh37 (hg19) VCF-style: chr6-76617360-C-CTAAG.
Other names: c.3147_3150dup, p.Lys1051Ter (NM_001300899.2, NM_001368136.1); c.3204_3207dup, p.Lys1070Ter (NM_001368137.1); c.3132_3135dup, p.Lys1046Ter (NM_001368138.1); c.3243_3246dup, p.Lys1083Ter (NM_001368865.1, NM_001368866.1); short protein forms K1046*, K1051*, K1070*, K1074*, K1083*.
Identifiers: ClinVar variation 3382328 (VCV003382328.2).